The following is an entry in ClinVar:

ClinVar aggregate classification (germline): Uncertain significance. Review status: criteria provided, multiple submitters, no conflicts (2 of 4 stars). 3 submissions from 3 submitters: Uncertain significance (3). Last evaluated 2025-10-02.

Conditions:
Left ventricular noncompaction 8 (LVNC8). Identifiers: Orphanet 154, Orphanet 54260, MedGen C3809288, MONDO:0014152, OMIM 615373.

Allele frequency attached by ClinVar (database versions not stated): ExAC 0.00004.

Submissions (3):

Labcorp Genetics (formerly Invitae), Labcorp
Classification: Uncertain significance for Left ventricular noncompaction 8. Last evaluated: 2025-10-02. Review status: criteria provided, single submitter. Criteria: Invitae Variant Classification Sherloc (09022015). Collection method: clinical testing. Allele origin: germline.
Comment: This sequence change replaces histidine, which is basic and polar, with proline, which is neutral and non-polar, at codon 927 of the PRDM16 protein (p.His927Pro). The frequency data for this variant in the population databases is considered unreliable, as metrics indicate poor data quality at this position in the gnomAD database. This variant has not been reported in the literature in individuals affected with PRDM16-related conditions. ClinVar contains an entry for this variant (Variation ID: 373755). An algorithm developed to predict the effect of missense changes on protein structure and function outputs the following: PolyPhen-2: "Benign". The proline amino acid residue is found in multiple mammalian species, which suggests that this missense change does not adversely affect protein function. In summary, the available evidence is currently insufficient to determine the role of this variant in disease. Therefore, it has been classified as a Variant of Uncertain Significance.

GeneDx
Classification: Uncertain significance. Last evaluated: 2016-12-09. Review status: criteria provided, single submitter. Criteria: GeneDx Variant Classification (06012015). Collection method: clinical testing. Allele origin: germline. Affected: yes.
Comment: A variant of uncertain significance has been identified in the PRDM16 gene. The H927P variant has not been published as a pathogenic variant, nor has it been reported as a benign variant to our knowledge. The H927P variant was not observed in approximately 6000 individuals of European and African American ancestry in the NHLBI Exome Sequencing Project, indicating it is not a common benign variant in these populations. The H927P variant is a non-conservative amino acid substitution, which is likely to impact secondary protein structure as these residues differ in polarity, charge, size and/or other properties. In silico analysis predicts this variant is probably damaging to the protein structure/function. Nevertheless, though this substitution occurs at a position that is conserved in most mammals, P927 is wild-type in at least one other mammalian and one non-mammalian species.

Center for Genomics, Ann and Robert H. Lurie Children's Hospital of Chicago
Classification: Uncertain significance for Left ventricular noncompaction 8. Review status: criteria provided, single submitter. Criteria: ACMG Guidelines, 2015. Collection method: clinical testing. Allele origin: germline.
Comment: PRDM16 NM_022114.3 exon 11 p.His927Pro (c.2780A>C): This variant has not been reported in the literature but is present in 0.02% (9/31402) of Latino alleles in the Genome Aggregation Database. This variant is present in ClinVar (Variation ID:373755). Evolutionary conservation and computational predictive tools for this variant are unclear. In summary, data on this variant is insufficient for disease classification. Therefore, the clinical significance of this variant is uncertain.

NM_022114.4(PRDM16):c.2780A>C (p.His927Pro)

Gene: PRDM16 (PR/SET domain 16; plus strand). Cytogenetic location: 1p36.32.
Variant type: single nucleotide variant.
Coding change: c.2780A>C on transcript NM_022114.4 (MANE Select); coding-DNA position 2780, A replaced by C.
Protein change: p.His927Pro; replaces histidine 927 with proline.
Molecular consequence: missense variant.
Genome position (GRCh38, 1-based): chr1:3,417,916, A>C. VCF-style: chr1-3417916-A-C. GRCh37 (hg19) VCF-style: chr1-3334480-A-C.
Other names: c.2780A>C, p.His927Pro (NM_199454.3); short protein forms H927P.
Identifiers: ClinVar variation 373755 (VCV000373755.7), dbSNP rs763577669, ClinGen allele CA544602.